The following is an entry in ClinVar:

NM_182919.4(TICAM1):c.101G>A (p.Arg34His)

Gene: TICAM1 (TIR domain containing adaptor molecule 1; minus strand). Cytogenetic location: 19p13.3.
Variant type: single nucleotide variant.
Coding change: c.101G>A on transcript NM_182919.4 (MANE Select); coding-DNA position 101, G replaced by A.
Protein change: p.Arg34His; replaces arginine 34 with histidine.
Molecular consequence: missense variant. On other transcripts: 5 prime UTR variant (1), intron variant (1).
Genome position (GRCh38, 1-based): chr19:4,818,277, C>T on the plus strand (G>A on the coding strand, the complement: TICAM1 is on the minus strand). VCF-style: chr19-4818277-C-T. GRCh37 (hg19) VCF-style: chr19-4818289-C-T.
Other names: c.59G>A, p.Arg20His (NM_001385678.1); c.-35G>A (NM_001385679.1); c.-72+107G>A (NM_001385680.1); short protein forms R20H, R34H.
Identifiers: ClinVar variation 1046881 (VCV001046881.6), dbSNP rs758634091, ClinGen allele CA9105421.

ClinVar aggregate classification (germline): Uncertain significance (1 of 4 stars; one submission).

Conditions:
Encephalopathy, acute, infection-induced (herpes-specific), susceptibility to, 6. Also called: Herpes simplex encephalitis, susceptibility to, 4. Identifiers: Orphanet 1930, MedGen C3553869, MONDO:0013921, OMIM 614850.

Allele frequency attached by ClinVar (database versions not stated): gnomAD exomes 0.00002; ExAC 0.00002; gnomAD 0.00002; TOPMed 0.00004.

Submission:

Labcorp Genetics (formerly Invitae), Labcorp
Classification: Uncertain significance for Encephalopathy, acute, infection-induced (herpes-specific), susceptibility to, 6. Last evaluated: 2021-09-01. Review status: criteria provided, single submitter. Criteria: Invitae Variant Classification Sherloc (09022015). Collection method: clinical testing. Allele origin: germline.
Comment: This sequence change replaces arginine with histidine at codon 34 of the TICAM1 protein (p.Arg34His). The arginine residue is moderately conserved and there is a small physicochemical difference between arginine and histidine. This variant is present in population databases (rs758634091, ExAC 0.009%). This variant has not been reported in the literature in individuals affected with TICAM1-related conditions. Algorithms developed to predict the effect of missense changes on protein structure and function output the following: SIFT: "Tolerated"; PolyPhen-2: "Benign"; Align-GVGD: "Class C0". The histidine amino acid residue is found in multiple mammalian species, which suggests that this missense change does not adversely affect protein function. In summary, the available evidence is currently insufficient to determine the role of this variant in disease. Therefore, it has been classified as a Variant of Uncertain Significance.